The following is an entry in ClinVar:

NM_000363.5(TNNI3):c.550-157T>A

Gene: TNNI3 (troponin I3, cardiac type; minus strand). Cytogenetic location: 19q13.42.
Variant type: single nucleotide variant.
Coding change: c.550-157T>A on transcript NM_000363.5 (MANE Select); 157 bases into the intron before coding-DNA position 550, T replaced by A.
Molecular consequence: intron variant.
Genome position (GRCh38, 1-based): chr19:55,152,074, A>T on the plus strand (T>A on the coding strand, the complement: TNNI3 is on the minus strand). VCF-style: chr19-55152074-A-T. GRCh37 (hg19) VCF-style: chr19-55663442-A-T.
Identifiers: ClinVar variation 675756 (VCV000675756.1), dbSNP rs114949974, ClinGen allele CA310145061.
Genomic context (GRCh38, chr19:55,152,074, plus strand): 5'-CCTGGATGCCTAAGTATCTAGTTCTGGAGCACTTCCTGTCTTTTCAAGATAATCCCTGCC[A>T]ATTTTCCCCATGCACTTCCTGTCTCCCTCATGCACTTCCTGTCCCCCTCATGCACTTCCT-3'

ClinVar aggregate classification (germline): Likely benign (1 of 4 stars; one submission).

Allele frequency attached by ClinVar (database versions not stated): gnomAD 0.00813 and 0.00877; 1000 Genomes Project 0.00839; TOPMed 0.00901; 1000 Genomes Project 30x 0.00984.
gnomAD v4.1: 1,223 of 151,958 alleles (0.8%); highest among the groups gnomAD compares: African/African-American, 2.8%; 19 homozygotes.

Submission:

GeneDx
Classification: Likely benign. Last evaluated: 2018-06-16. Review status: criteria provided, single submitter. Criteria: GeneDx Variant Classification (06012015). Collection method: clinical testing. Allele origin: germline. Affected: yes.
Comment: This variant is considered likely benign or benign based on one or more of the following criteria: it is a conservative change, it occurs at a poorly conserved position in the protein, it is predicted to be benign by multiple in silico algorithms, and/or has population frequency not consistent with disease.